The following is an entry in ClinVar:

NM_203486.3(DLL3):c.1759-2_1762del

Gene: DLL3 (delta like canonical Notch ligand 3; plus strand). Cytogenetic location: 19q13.2.
Variant type: Deletion.
Coding change: c.1759-2_1762del on transcript NM_203486.3 (MANE Select); the canonical splice acceptor site of the intron before coding-DNA position 1759 through coding-DNA position 1762, 6 bases deleted (AGGCCT; older notation c.1759-2_1762delAGGCCT).
Molecular consequence: splice acceptor variant. On other transcripts: 3 prime UTR variant (1).
Genome position (GRCh38, 1-based): chr19:39,508,250-39,508,255, AGGCCT deleted; deleting any 6 consecutive bases within chr19:39,508,248-39,508,255 gives the same sequence; the c. name uses the placement nearest the transcript's 3' end. VCF-style (leftmost placement, unchanged base first): chr19-39508247-TCTAGGC-T. GRCh37 (hg19) VCF-style: chr19-39998887-TCTAGGC-T.
Other names: NC_000019.9:g.39998890_39998895del; c.*237_*242del (NM_016941.4).
Identifiers: ClinVar variation 424406 (VCV000424406.2), dbSNP rs759482385, ClinGen allele CA9432572.
Genomic context (GRCh38, chr19:39,508,247, plus strand): 5'-CAGCGGGGAGGCAGGGGAGGCAGAGGGGCAGCCTCTCTAATGCTTCCTACTCATTTTGTT[TCTAGGC>T]CTGACGCGTCTCCTCCATCCGCACCTGGAGTCAGAGCGTGGATTTTTGTATTTGCTCGGT-3'

ClinVar aggregate classification (germline): Uncertain significance (1 of 4 stars; one submission).

Submissions (2):

GeneDx
Classification: Uncertain significance. Last evaluated: 2017-03-17. Review status: criteria provided, single submitter. Criteria: GeneDx Variant Classification (06012015). Collection method: clinical testing. Allele origin: germline. Affected: yes.
Comment: The c.1759-2_1762delAGGCCT variant was identified in an alternative transcript (NM_203486.2) of the DLL3 gene and has not been published as a pathogenic variant, nor has it been reported as a benign variant to our knowledge. Based on this alternate transcript, in-silico splice prediction models suggest that c.1759-2_1762delAGGCCT destroys the canonical splice acceptor site of the last exon. Loss of this site could lead to abnormal splicing; however, in the absence of RNA/functional studies, the actual effect of this sequence change in this individual is unknown. Furthermore, the clinical relevance of this alternate transcript has not been well established. Within the primary clinically relevant transcript of DLL3, this variant lies in an untranslated region, where it is referred to as c.*237_*242delAGGCCT. To date, no variants in this region within either transcript of DLL3 have been reported in association with DLL3-related disorders in the Human Gene Mutation Database (Stenson et al., 2014). Thus, based on the currently available information, it is unclear whether this variant is a pathogenic variant or a rare benign variant.

Dr. Peter K. Rogan Lab, Western University
No classification provided (evidence only). Condition: Melanoma. Review status: no classification provided. Collection method: in vitro. Allele origin: not applicable. Functional consequence: retained intron. Not counted in ClinVar's aggregate classification.